The following is an entry in ClinVar:

NM_006734.4(HIVEP2):c.4551G>A (p.Ser1517=)

Gene: HIVEP2 (HIVEP zinc finger 2; minus strand). Cytogenetic location: 6q24.2.
Variant type: single nucleotide variant.
Coding change: c.4551G>A on transcript NM_006734.4 (MANE Select); coding-DNA position 4551, G replaced by A.
Protein change: p.Ser1517=; no amino-acid change (serine 1517 retained).
Molecular consequence: synonymous variant.
Genome position (GRCh38, 1-based): chr6:142,770,188, C>T on the plus strand (G>A on the coding strand, the complement: HIVEP2 is on the minus strand). VCF-style: chr6-142770188-C-T. GRCh37 (hg19) VCF-style: chr6-143091325-C-T.
Identifiers: ClinVar variation 2656953 (VCV002656953.27), dbSNP rs886762722, ClinGen allele CA4028059.

ClinVar aggregate classification (germline): Likely benign. Review status: criteria provided, multiple submitters, no conflicts (2 of 4 stars). 2 submissions from 2 submitters: Likely benign (2). Last evaluated 2023-08-17.

Allele frequency attached by ClinVar (database versions not stated): ExAC 0.00002; gnomAD exomes 0.00002; gnomAD 0.00004; TOPMed 0.00004.
gnomAD v4.1: 39 of 1,614,060 alleles (0.0024%); highest among the groups gnomAD compares: African/African-American, 0.004%; no homozygotes.

Submissions (2):

Labcorp Genetics (formerly Invitae), Labcorp
Classification: Likely benign. Last evaluated: 2023-08-17. Review status: criteria provided, single submitter. Criteria: Invitae Variant Classification Sherloc (09022015). Collection method: clinical testing. Allele origin: germline.

CeGaT Center for Human Genetics Tuebingen
Classification: Likely benign. Last evaluated: 2022-11-01. Review status: criteria provided, single submitter. Criteria: CeGaT Center For Human Genetics Tuebingen Variant Classification Criteria Version 2. Collection method: clinical testing. Allele origin: germline. Affected: yes. Observed: 1 variant allele.
Comment: HIVEP2: BP4, BP7